The following is an entry in ClinVar:

ClinVar aggregate classification (germline): Uncertain significance (1 of 4 stars; one submission).

Submission:

Labcorp Genetics (formerly Invitae), Labcorp
Classification: Uncertain significance. Last evaluated: 2025-12-19. Review status: criteria provided, single submitter. Criteria: Invitae Variant Classification Sherloc (09022015). Collection method: clinical testing. Allele origin: germline.
Comment: This sequence change replaces arginine, which is basic and polar, with glycine, which is neutral and non-polar, at codon 549 of the FAT1 protein (p.Arg549Gly). This variant is not present in population databases (gnomAD no frequency). This variant has not been reported in the literature in individuals affected with FAT1-related conditions. An algorithm developed to predict the effect of missense changes on protein structure and function (PolyPhen-2) suggests that this variant is likely to be disruptive. In summary, the available evidence is currently insufficient to determine the role of this variant in disease. Therefore, it has been classified as a Variant of Uncertain Significance.

NM_005245.4(FAT1):c.1645C>G (p.Arg549Gly)

Gene: FAT1 (FAT atypical cadherin 1; minus strand). Cytogenetic location: 4q35.2.
Variant type: single nucleotide variant.
Coding change: c.1645C>G on transcript NM_005245.4 (MANE Select); coding-DNA position 1645, C replaced by G.
Protein change: p.Arg549Gly; replaces arginine 549 with glycine.
Molecular consequence: missense variant.
Genome position (GRCh38, 1-based): chr4:186,708,183, G>C on the plus strand (C>G on the coding strand, the complement: FAT1 is on the minus strand). VCF-style: chr4-186708183-G-C. GRCh37 (hg19) VCF-style: chr4-187629337-G-C.
Other names: c.1645C>G, p.Arg549Gly (NM_001440455.1, NM_001440456.1, NM_001440457.1); short protein forms R549G.
Identifiers: ClinVar variation 4733236 (VCV004733236.1).